The following is an entry in ClinVar:

ClinVar aggregate classification (germline): Uncertain significance. Review status: criteria provided, multiple submitters, no conflicts (2 of 4 stars). 2 submissions from 2 submitters: Uncertain significance (2). Last evaluated 2024-05-31.

Conditions:
COL12A1-related disorder. Also called: COL12A1-related condition.

Allele frequency attached by ClinVar (database versions not stated): gnomAD exomes below 0.00001; ExAC 0.00001.
gnomAD v4.1: 6 of 1,614,080 alleles (0.00037%); highest among the groups gnomAD compares: Admixed American, 0.0017%; no homozygotes.

Submissions (2):

Revvity Omics, Revvity
Classification: Uncertain significance. Last evaluated: 2024-05-31. Review status: criteria provided, single submitter. Criteria: ACMG Guidelines, 2015. Collection method: clinical testing. Allele origin: germline.

PreventionGenetics, part of Exact Sciences
Classification: Uncertain significance for COL12A1-related condition. Last evaluated: 2023-08-16. Review status: criteria provided, single submitter. Criteria: ACMG Guidelines, 2015. Collection method: clinical testing. Allele origin: germline.
Comment: The COL12A1 c.6130G>A variant is predicted to result in the amino acid substitution p.Ala2044Thr. To our knowledge, this variant has not been reported in the literature. This variant is reported in 0.0029% of alleles in individuals of Latino descent in gnomAD. At this time, the clinical significance of this variant is uncertain due to the absence of conclusive functional and genetic evidence.

NM_004370.6(COL12A1):c.6130G>A (p.Ala2044Thr)

Gene: COL12A1 (collagen type XII alpha 1 chain; minus strand). Cytogenetic location: 6q13.
Variant type: single nucleotide variant.
Coding change: c.6130G>A on transcript NM_004370.6 (MANE Select); coding-DNA position 6130, G replaced by A.
Protein change: p.Ala2044Thr; replaces alanine 2044 with threonine.
Molecular consequence: missense variant.
Genome position (GRCh38, 1-based): chr6:75,130,171, C>T on the plus strand (G>A on the coding strand, the complement: COL12A1 is on the minus strand). VCF-style: chr6-75130171-C-T. GRCh37 (hg19) VCF-style: chr6-75839887-C-T.
Other names: c.6130G>A, p.Ala2044Thr (NM_001424113.1); c.6109G>A, p.Ala2037Thr (NM_001424114.1); c.5857G>A, p.Ala1953Thr (NM_001424115.1); c.2638G>A, p.Ala880Thr (NM_001424116.1, NM_080645.3); short protein forms A1953T, A2037T, A2044T, A880T.
Identifiers: ClinVar variation 2631120 (VCV002631120.2), dbSNP rs759743804, ClinGen allele CA3892891.